The following is an entry in ClinVar:

NM_025114.4(CEP290):c.4538C>G (p.Ala1513Gly)

Gene: CEP290 (centrosomal protein 290; minus strand). Cytogenetic location: 12q21.32.
Variant type: single nucleotide variant.
Coding change: c.4538C>G on transcript NM_025114.4 (MANE Select); coding-DNA position 4538, C replaced by G.
Protein change: p.Ala1513Gly; replaces alanine 1513 with glycine.
Molecular consequence: missense variant.
Genome position (GRCh38, 1-based): chr12:88,084,752, G>C on the plus strand (C>G on the coding strand, the complement: CEP290 is on the minus strand). VCF-style: chr12-88084752-G-C. GRCh37 (hg19) VCF-style: chr12-88478529-G-C.
Other names: short protein forms A1513G.
Identifiers: ClinVar variation 4993387 (VCV004993387.1).

ClinVar aggregate classification (germline): Uncertain significance (1 of 4 stars; one submission).

Conditions:
CEP290-related disorder. Also called: CEP290-related disorders; CEP290-related condition. Identifiers: MedGen CN239314.

Submission:

PreventionGenetics, part of Exact Sciences
Classification: Uncertain significance for CEP290-related condition. Last evaluated: 2026-06-07. Review status: criteria provided, single submitter. Criteria: ACMG Guidelines, 2015. Collection method: clinical testing. Allele origin: germline.
Comment: The CEP290 c.4538C>G variant is predicted to result in the amino acid substitution p.Ala1513Gly. To our knowledge, this variant has not been reported in the literature or in a large population database (gnomAD), indicating this variant is rare. At this time, the clinical significance of this variant is uncertain due to the absence of conclusive functional and genetic evidence.